The following is an entry in ClinVar:

NM_152703.5(SAMD9L):c.3305C>G (p.Ala1102Gly)

Gene: SAMD9L (sterile alpha motif domain containing 9 like; minus strand). Cytogenetic location: 7q21.2.
Variant type: single nucleotide variant.
Coding change: c.3305C>G on transcript NM_152703.5 (MANE Select); coding-DNA position 3305, C replaced by G.
Protein change: p.Ala1102Gly; replaces alanine 1102 with glycine.
Molecular consequence: missense variant.
Genome position (GRCh38, 1-based): chr7:93,132,667, G>C on the plus strand (C>G on the coding strand, the complement: SAMD9L is on the minus strand). VCF-style: chr7-93132667-G-C. GRCh37 (hg19) VCF-style: chr7-92761980-G-C.
Other names: c.3305C>G, p.Ala1102Gly (NM_001303496.3, NM_001303497.3, NM_001303498.3 and 5 more transcripts); short protein forms A1102G.
Identifiers: ClinVar variation 5028963 (VCV005028963.1).
Genomic context (GRCh38, chr7:93,132,667, plus strand): 5'-GTATCTGAAATATAGGAATTTTTAGGTGCTTTCATTTTGGCCTGACGTGCCCAGTCCAGA[G>C]CTGTGTTAAAGTCCTTCTCTTTAATGTAGAAATGTCTTGCTAAGGCTTGACAAATGAATG-3'
Protein context (NP_689916.2, residues 1092-1112): FYIKEKDFNT[Ala1102Gly]LDWARQAKMK

ClinVar aggregate classification (germline): Uncertain significance (1 of 4 stars; one submission).

Conditions:
Inborn genetic diseases. Identifiers: MedGen C0950123, MeSH D030342.

Submission:

Ambry Genetics
Classification: Uncertain significance for Inborn genetic diseases. Last evaluated: 2026-08-22. Review status: criteria provided, single submitter. Criteria: Ambry Variant Classification Scheme 2023. Collection method: clinical testing. Allele origin: germline.
Comment: The p.A1102G variant (also known as c.3305C>G), located in coding exon 1 of the SAMD9L gene, results from a C to G substitution at nucleotide position 3305. The alanine at codon 1102 is replaced by glycine, an amino acid with similar properties. This amino acid position is conserved. In addition, the in silico prediction for this alteration is inconclusive. Based on the available evidence, the clinical significance of this variant remains unclear.